The following is an entry in ClinVar:

ClinVar aggregate classification (germline): Likely benign. Review status: criteria provided, multiple submitters, no conflicts (2 of 4 stars). 3 submissions from 3 submitters: Likely benign (3). Last evaluated 2026-01-29.

Conditions:
Inborn genetic diseases. Identifiers: MedGen C0950123, MeSH D030342.
Rubinstein-Taybi syndrome (RSTS). Identifiers: Orphanet 783, MedGen C0035934, MONDO:0019188.
CREBBP-related disorder. Also called: CREBBP-related disorders; CREBBP-related condition.

Allele frequency attached by ClinVar (database versions not stated): ExAC 0.00001; TOPMed 0.00001; gnomAD exomes 0.00002.

Submissions (3):

PreventionGenetics, part of Exact Sciences
Classification: Likely benign for CREBBP-related condition. Last evaluated: 2026-01-29. Review status: criteria provided, single submitter. Criteria: ACMG Guidelines, 2015. Collection method: clinical testing. Allele origin: germline.
Comment: This variant is classified as likely benign based on ACMG/AMP sequence variant interpretation guidelines (Richards et al. 2015 PMID: 25741868, with internal and published modifications).

Labcorp Genetics (formerly Invitae), Labcorp
Classification: Likely benign for Rubinstein-Taybi syndrome. Last evaluated: 2025-04-23. Review status: criteria provided, single submitter. Criteria: Invitae Variant Classification Sherloc (09022015). Collection method: clinical testing. Allele origin: germline.

Ambry Genetics
Classification: Likely benign for Inborn genetic diseases. Last evaluated: 2024-11-15. Review status: criteria provided, single submitter. Criteria: Ambry Variant Classification Scheme 2023. Collection method: clinical testing. Allele origin: germline.

NM_004380.3(CREBBP):c.529A>G (p.Met177Val)

Gene: CREBBP (CREB binding lysine acetyltransferase; minus strand). Cytogenetic location: 16p13.3.
Variant type: single nucleotide variant.
Coding change: c.529A>G on transcript NM_004380.3 (MANE Select); coding-DNA position 529, A replaced by G.
Protein change: p.Met177Val; replaces methionine 177 with valine.
Molecular consequence: missense variant.
Genome position (GRCh38, 1-based): chr16:3,850,566, T>C on the plus strand (A>G on the coding strand, the complement: CREBBP is on the minus strand). VCF-style: chr16-3850566-T-C. GRCh37 (hg19) VCF-style: chr16-3900567-T-C.
Other names: c.529A>G (NM_004380.2); c.529A>G, p.Met177Val (NM_001079846.1); short protein forms M177V.
Identifiers: ClinVar variation 1938972 (VCV001938972.8), dbSNP rs780421523, ClinGen allele CA7870654.